The following is an entry in ClinVar:

ClinVar aggregate classification (germline): Pathogenic (1 of 4 stars; one submission).

Submission:

Labcorp Genetics (formerly Invitae), Labcorp
Classification: Pathogenic. Last evaluated: 2024-08-05. Review status: criteria provided, single submitter. Criteria: Invitae Variant Classification Sherloc (09022015). Collection method: clinical testing. Allele origin: germline.
Comment: This sequence change creates a premature translational stop signal (p.Arg165Profs*21) in the PDZD7 gene. It is expected to result in an absent or disrupted protein product. Loss-of-function variants in PDZD7 are known to be pathogenic (PMID: 20440071). This variant is not present in population databases (gnomAD no frequency). This variant has not been reported in the literature in individuals affected with PDZD7-related conditions. For these reasons, this variant has been classified as Pathogenic.

Literature cited by the submitters: PubMed 20440071.

NM_001195263.2(PDZD7):c.494del (p.Arg165fs)

Gene: PDZD7 (PDZ domain containing 7; minus strand). Cytogenetic location: 10q24.31.
Variant type: Deletion.
Coding change: c.494del on transcript NM_001195263.2 (MANE Select); coding-DNA position 494, one base deleted (G; older notation c.494delG).
Protein change: p.Arg165fs; shifts the reading frame from arginine 165.
Molecular consequence: frameshift variant.
Genome position (GRCh38, 1-based): chr10:101,023,484, C deleted on the plus strand (G on the coding strand, the reverse complement: PDZD7 is on the minus strand). VCF-style (leftmost placement, unchanged base first): chr10-101023483-GC-G. GRCh37 (hg19) VCF-style: chr10-102783240-GC-G.
Other names: c.494del, p.Arg165fs (NM_001351044.2, NM_024895.5); short protein forms R165fs.
Identifiers: ClinVar variation 3660136 (VCV003660136.2).